The following is an entry in ClinVar:

ClinVar aggregate classification (germline): Uncertain significance (1 of 4 stars; one submission).

Allele frequency attached by ClinVar (database versions not stated): gnomAD exomes below 0.00001.
gnomAD v4.1: 2 of 1,598,018 alleles (0.00013%); highest among the groups gnomAD compares: African/African-American, 0.0027%; no homozygotes.

Submission:

Ambry Genetics
Classification: Uncertain significance. Last evaluated: 2024-12-02. Review status: criteria provided, single submitter. Criteria: Ambry Variant Classification Scheme 2023. Collection method: clinical testing. Allele origin: germline.
Comment: The p.I7F variant (also known as c.19A>T), located in coding exon 1 of the RINT1 gene, results from an A to T substitution at nucleotide position 19. The isoleucine at codon 7 is replaced by phenylalanine, an amino acid with highly similar properties. This amino acid position is not well conserved in available vertebrate species. In addition, this alteration is predicted to be tolerated by in silico analysis. Since supporting evidence is limited at this time, the clinical significance of this alteration remains unclear.

NM_021930.6(RINT1):c.19A>T (p.Ile7Phe)

Gene: RINT1 (RAD50 interactor 1; plus strand). Cytogenetic location: 7q22.3.
Variant type: single nucleotide variant.
Coding change: c.19A>T on transcript NM_021930.6 (MANE Select); coding-DNA position 19, A replaced by T.
Protein change: p.Ile7Phe; replaces isoleucine 7 with phenylalanine.
Molecular consequence: missense variant. On other transcripts: 5 prime UTR variant (4), non-coding transcript variant (1).
Genome position (GRCh38, 1-based): chr7:105,532,334, A>T. VCF-style: chr7-105532334-A-T. GRCh37 (hg19) VCF-style: chr7-105172781-A-T.
Other names: c.-79A>T (NM_001346599.2); c.-1001A>T (NM_001346600.2); c.-904A>T (NM_001346601.2); c.-524A>T (NM_001346603.2); short protein forms I7F.
Identifiers: ClinVar variation 1784149 (VCV001784149.3), dbSNP rs2133347145, ClinGen allele CA368798987.
Genomic context (GRCh38, chr7:105,532,334, plus strand): 5'-ACGCTGGCTGCGAATGGAGCCGAGGACTCGCGCGGAGGCGAGATGCTACCAGCCGGCGAG[A>T]TCGGCGCCTCTCCTGCAGCCCCGGTGAGACGGCCCTGGCGTCCCTGGGAGGGGACATTGG-3'
Protein context (NP_068749.3, residues 1-17): MLPAGE[Ile7Phe]GASPAAPCCS